The following is an entry in ClinVar:

ClinVar aggregate classification (germline): Pathogenic. Review status: criteria provided, multiple submitters, no conflicts (2 of 4 stars). 4 submissions from 4 submitters: Pathogenic (4). Last evaluated 2025-08-15.

Conditions:
Duchenne muscular dystrophy (DMD). Also called: MUSCULAR DYSTROPHY, PSEUDOHYPERTROPHIC PROGRESSIVE, DUCHENNE TYPE; Duchenne Muscular Dystrophy (DMD). Identifiers: Orphanet 98896, MedGen C0013264, MONDO:0010679, OMIM 310200.

Submissions (4):

Labcorp Genetics (formerly Invitae), Labcorp
Classification: Pathogenic for Duchenne muscular dystrophy. Last evaluated: 2025-08-15. Review status: criteria provided, single submitter. Criteria: Invitae Variant Classification Sherloc (09022015). Collection method: clinical testing. Allele origin: germline.
Comment: This sequence change creates a premature translational stop signal (p.Gln555*) in the DMD gene. It is expected to result in an absent or disrupted protein product. Loss-of-function variants in DMD are known to be pathogenic (PMID: 16770791, 25007885). This variant is not present in population databases (gnomAD no frequency). This premature translational stop signal has been observed in individual(s) with Becker/Duchenne muscular dystrophy (PMID: 15643612, 27593222). ClinVar contains an entry for this variant (Variation ID: 217180). For these reasons, this variant has been classified as Pathogenic.

Eurofins Ntd Llc (ga)
Classification: Pathogenic. Last evaluated: 2017-10-10. Review status: criteria provided, single submitter. Criteria: EGL Classification Definitions 2015. Collection method: clinical testing. Allele origin: germline. Observed: 1 variant allele, 1 hemizygote.

Athena Diagnostics
Classification: Pathogenic for Duchenne muscular dystrophy. Last evaluated: 2013-05-31. Review status: criteria provided, single submitter. Criteria: Athena Diagnostics Criteria. Collection method: clinical testing. Allele origin: germline. Inheritance: X-linked recessive inheritance.
Comment: X-linked recessive inheritance

Neuberg Centre For Genomic Medicine, NCGM
Classification: Pathogenic for Duchenne muscular dystrophy. Review status: criteria provided, single submitter. Criteria: ACMG Guidelines, 2015. Collection method: clinical testing. Allele origin: germline. Affected: yes.
Comment: The stop gained p.Q555* in DMD (NM_004006.3) has been previously reported in affected patients (Buzin CH et al). The variant has been submitted to ClinVar as Pathogenic. The p.Q555* variant is novel (not in any individuals) in gnomAD Exomes and is novel (not in any individuals) in 1000 Genomes. This variant is predicted to cause loss of normal protein function through protein truncation. Loss of function mutations have been previously reported to be disease causing. For these reasons, this variant has been classified as Pathogenic.

Literature cited by the submitters: PubMed 16770791 (cited by Labcorp Genetics (formerly Invitae), Labcorp); PubMed 25007885 (cited by Labcorp Genetics (formerly Invitae), Labcorp); PubMed 15643612 (cited by Labcorp Genetics (formerly Invitae), Labcorp and Athena Diagnostics); PubMed 27593222 (cited by Labcorp Genetics (formerly Invitae), Labcorp).

NM_004006.3(DMD):c.1663C>T (p.Gln555Ter)

Gene: DMD (dystrophin; minus strand). Cytogenetic location: Xp21.1.
Variant type: single nucleotide variant.
Coding change: c.1663C>T on transcript NM_004006.3 (MANE Select); coding-DNA position 1663, C replaced by T.
Protein change: p.Gln555Ter; replaces glutamine 555 with a stop codon.
Molecular consequence: nonsense.
Genome position (GRCh38, 1-based): chrX:32,573,786, G>A on the plus strand (C>T on the coding strand, the complement: DMD is on the minus strand). VCF-style: chrX-32573786-G-A. GRCh37 (hg19) VCF-style: chrX-32591903-G-A.
Other names: c.1639C>T, p.Gln547Ter (NM_000109.4); c.1651C>T, p.Gln551Ter (NM_004009.3); c.1294C>T, p.Gln432Ter (NM_004010.3); short protein forms Q555*, Q432*, Q547*, Q551*.
Identifiers: ClinVar variation 217180 (VCV000217180.10), dbSNP rs863224983, ClinGen allele CA347473.